The following is an entry in ClinVar:

NM_002662.5(PLD1):c.385G>A (p.Glu129Lys)

Gene: PLD1 (phospholipase D1; minus strand). Cytogenetic location: 3q26.31.
Variant type: single nucleotide variant.
Coding change: c.385G>A on transcript NM_002662.5 (MANE Select); coding-DNA position 385, G replaced by A.
Protein change: p.Glu129Lys; replaces glutamic acid 129 with lysine.
Molecular consequence: missense variant.
Genome position (GRCh38, 1-based): chr3:171,735,541, C>T on the plus strand (G>A on the coding strand, the complement: PLD1 is on the minus strand). VCF-style: chr3-171735541-C-T. GRCh37 (hg19) VCF-style: chr3-171453331-C-T.
Other names: c.385G>A, p.Glu129Lys (NM_001130081.3); short protein forms E129K.
Identifiers: ClinVar variation 2632123 (VCV002632123.2), dbSNP rs145174960, ClinGen allele CA355509211.

ClinVar aggregate classification (germline): Uncertain significance. Review status: criteria provided, multiple submitters, no conflicts (2 of 4 stars). 2 submissions from 2 submitters: Uncertain significance (2). Last evaluated 2024-06-25.

Conditions:
PLD1-related disorder. Also called: PLD1-related condition.

Submissions (2):

GeneDx
Classification: Uncertain significance. Last evaluated: 2024-06-25. Review status: criteria provided, single submitter. Criteria: GeneDx Variant Classification Process June 2021. Collection method: clinical testing. Allele origin: germline. Affected: yes.
Comment: Not observed at significant frequency in large population cohorts (gnomAD); In silico analysis indicates that this missense variant does not alter protein structure/function; Has not been previously published as pathogenic or benign to our knowledge

PreventionGenetics, part of Exact Sciences
Classification: Uncertain significance for PLD1-related condition. Last evaluated: 2023-03-07. Review status: criteria provided, single submitter. Criteria: ACMG Guidelines, 2015. Collection method: clinical testing. Allele origin: germline.
Comment: The PLD1 c.385G>A variant is predicted to result in the amino acid substitution p.Glu129Lys. To our knowledge, this variant has not been reported in the literature or in a large population database, indicating this variant is rare. At this time, the clinical significance of this variant is uncertain due to the absence of conclusive functional and genetic evidence.